The following is an entry in ClinVar:

ClinVar aggregate classification (germline): Uncertain significance (1 of 4 stars; one submission).

Submission:

GeneDx
Classification: Uncertain significance. Last evaluated: 2025-01-23. Review status: criteria provided, single submitter. Criteria: GeneDx Variant Classification Process June 2021. Collection method: clinical testing. Allele origin: germline. Affected: yes.
Comment: Not observed at significant frequency in large population cohorts (gnomAD); In silico analysis supports that this missense variant has a deleterious effect on protein structure/function; Has not been previously published as pathogenic or benign to our knowledge

NM_005121.3(MED13):c.628C>A (p.Pro210Thr)

Gene: MED13 (mediator complex subunit 13; minus strand). Cytogenetic location: 17q23.2.
Variant type: single nucleotide variant.
Coding change: c.628C>A on transcript NM_005121.3 (MANE Select); coding-DNA position 628, C replaced by A.
Protein change: p.Pro210Thr; replaces proline 210 with threonine.
Molecular consequence: missense variant.
Genome position (GRCh38, 1-based): chr17:62,033,973, G>T on the plus strand (C>A on the coding strand, the complement: MED13 is on the minus strand). VCF-style: chr17-62033973-G-T. GRCh37 (hg19) VCF-style: chr17-60111334-G-T.
Other names: short protein forms P210T.
Identifiers: ClinVar variation 4071747 (VCV004071747.1).